The following is an entry in ClinVar:

ClinVar aggregate classification (germline): Conflicting classifications of pathogenicity. Review status: criteria provided, conflicting classifications (1 of 4 stars). 7 submissions from 3 submitters: Uncertain significance (3); Benign (2); Likely benign (2). Last evaluated 2025-04-09.

Conditions:
Dilated cardiomyopathy 1G (CMD1G). Identifiers: Orphanet 154, MedGen C1858763, MONDO:0011400, OMIM 604145.
Autosomal recessive limb-girdle muscular dystrophy type 2J (LGMDR10). Also called: MUSCULAR DYSTROPHY, LIMB-GIRDLE, AUTOSOMAL RECESSIVE 10; Limb-girdle muscular dystrophy, type 2J. Identifiers: Orphanet 140922, MedGen C1837342, MONDO:0012127, OMIM 608807.
Early-onset myopathy with fatal cardiomyopathy (CMYO5). Also called: CONGENITAL MYOPATHY 5 WITH CARDIOMYOPATHY; Salih Myopathy. Identifiers: Orphanet 289377, MedGen C2673677, MONDO:0012714, OMIM 611705. Disease mechanism: loss of function.
Myopathy, myofibrillar, 9, with early respiratory failure (MFM9). Also called: Myopathy, distal, with early respiratory failure, autosomal dominant; Hereditary myopathy with early respiratory failure; EDSTROM MYOPATHY; MYOPATHY, PROXIMAL, WITH EARLY RESPIRATORY MUSCLE INVOLVEMENT. Identifiers: Orphanet 178464, Orphanet 34521, MedGen C1863599, MONDO:0011362, OMIM 603689.
Tibial muscular dystrophy (TMD). Also called: Udd Distal Myopathy – Tibial Muscular Dystrophy; UDD MYOPATHY; Tibial muscular dystrophy, tardive. Identifiers: Orphanet 609, MedGen C1838244, MONDO:0010870, OMIM 600334.

Allele frequency attached by ClinVar (database versions not stated): TOPMed below 0.00001; gnomAD 0.00001; gnomAD exomes 0.00001 and 0.00002; ExAC 0.00003.
gnomAD v4.1: 19 of 1,613,606 alleles (0.0012%); highest among the groups gnomAD compares: African/African-American, 0.0027%; no homozygotes.

Submissions (7):

Molecular Diagnostic Laboratory for Inherited Cardiovascular Disease, Montreal Heart Institute
Classification: Likely benign. Last evaluated: 2025-04-09. Review status: criteria provided, single submitter. Criteria: ACMG Guidelines, 2015. Collection method: clinical testing. Allele origin: germline. Affected: no.

Labcorp Genetics (formerly Invitae), Labcorp
Classification: Likely benign for Dilated cardiomyopathy 1G; Autosomal recessive limb-girdle muscular dystrophy type 2J. Last evaluated: 2024-04-05. Review status: criteria provided, single submitter. Criteria: Invitae Variant Classification Sherloc (09022015). Collection method: clinical testing. Allele origin: germline.

Illumina Laboratory Services, Illumina
Classification: Uncertain significance for Early-onset myopathy with fatal cardiomyopathy. Last evaluated: 2018-01-13. Review status: criteria provided, single submitter. Criteria: ICSL Variant Classification Criteria 13 December 2019. Collection method: clinical testing. Allele origin: germline.

Illumina Laboratory Services, Illumina
Classification: Benign for Tibial muscular dystrophy. Last evaluated: 2018-01-13. Review status: criteria provided, single submitter. Criteria: ICSL Variant Classification Criteria 13 December 2019. Collection method: clinical testing. Allele origin: germline.
Comment: This variant was observed in the ICSL laboratory as part of a predisposition screen in an ostensibly healthy population. It had not been previously curated by ICSL or reported in the Human Gene Mutation Database (HGMD: prior to June 1st, 2018), and was therefore a candidate for classification through an automated scoring system. Utilizing variant allele frequency, disease prevalence and penetrance estimates, and inheritance mode, an automated score was calculated to assess if this variant is too frequent to cause the disease. Based on the score and internal cut-off values, a variant classified as benign is not then subjected to further curation. The score for this variant resulted in a classification of benign for this disease.

Illumina Laboratory Services, Illumina
Classification: Uncertain significance for Autosomal recessive limb-girdle muscular dystrophy type 2J. Last evaluated: 2018-01-13. Review status: criteria provided, single submitter. Criteria: ICSL Variant Classification Criteria 13 December 2019. Collection method: clinical testing. Allele origin: germline.

Illumina Laboratory Services, Illumina
Classification: Benign for Myopathy, myofibrillar, 9, with early respiratory failure. Last evaluated: 2018-01-13. Review status: criteria provided, single submitter. Criteria: ICSL Variant Classification Criteria 13 December 2019. Collection method: clinical testing. Allele origin: germline.
Comment: the same text as in the submission from Illumina Laboratory Services, Illumina above.

Illumina Laboratory Services, Illumina
Classification: Uncertain significance for Dilated cardiomyopathy 1G. Last evaluated: 2018-01-13. Review status: criteria provided, single submitter. Criteria: ICSL Variant Classification Criteria 13 December 2019. Collection method: clinical testing. Allele origin: germline.

NM_001267550.2(TTN):c.24039G>A (p.Pro8013=)

Gene: TTN (titin; minus strand). Cytogenetic location: 2q31.2.
Variant type: single nucleotide variant.
Coding change: c.24039G>A on transcript NM_001267550.2 (MANE Select); coding-DNA position 24039, G replaced by A.
Protein change: p.Pro8013=; no amino-acid change (proline 8013 retained).
Molecular consequence: synonymous variant. On other transcripts: intron variant (3).
Genome position (GRCh38, 1-based): chr2:178,719,351, C>T on the plus strand (G>A on the coding strand, the complement: TTN is on the minus strand). VCF-style: chr2-178719351-C-T. GRCh37 (hg19) VCF-style: chr2-179584078-C-T.
Other names: c.23088G>A, p.Pro7696= (NM_001256850.1); c.20307G>A, p.Pro6769= (NM_133378.4); c.13282+18731G>A (NM_003319.4); c.13858+18731G>A (NM_133437.4); c.13657+18731G>A (NM_133432.3).
Identifiers: ClinVar variation 332912 (VCV000332912.13), dbSNP rs768390615, ClinGen allele CA2000508.